The following is an entry in ClinVar:

NM_002439.5(MSH3):c.993_994insTC (p.Ala332fs)

Genes: MSH3 (mutS homolog 3; plus strand), LOC126807437 (MED14-independent group 3 enhancer GRCh37_chr5:79968379-79969578; plus strand). Cytogenetic location: 5q14.1.
Variant type: Insertion.
Coding change: c.993_994insTC on transcript NM_002439.5 (MANE Select); coding-DNA positions 993 to 994, TC inserted.
Protein change: p.Ala332fs; shifts the reading frame from alanine 332.
Molecular consequence: frameshift variant.
Genome position: GRCh38 VCF-style: chr5-80672824-T-TTC. GRCh37 (hg19) VCF-style: chr5-79968643-T-TTC.
Other names: short protein forms A332fs.
Identifiers: ClinVar variation 3148728 (VCV003148728.1), dbSNP rs2546722970, ClinGen allele CA2825001448.

ClinVar aggregate classification (germline): Pathogenic (1 of 4 stars; one submission).

Conditions:
Familial adenomatous polyposis 4 (FAP4). Also called: MSH3-related attenuated familial adenomatous polyposis. Identifiers: Orphanet 480536, MedGen C4310719, MONDO:0044300, OMIM 617100.

Submission:

Myriad Genetics, Inc.
Classification: Pathogenic for Familial adenomatous polyposis 4. Last evaluated: 2024-03-29. Review status: criteria provided, single submitter. Criteria: Myriad Autosomal Dominant, Autosomal Recessive and X-Linked Classification Criteria (2023). Collection method: clinical testing. Allele origin: unknown.
Comment: This variant is considered pathogenic. This variant creates a frameshift predicted to result in premature protein truncation.